The following is an entry in ClinVar:

NM_001363118.2(SLC52A2):c.1152C>T (p.Gly384=)

Gene: SLC52A2 (solute carrier family 52 member 2; plus strand). Cytogenetic location: 8q24.3.
Variant type: single nucleotide variant.
Coding change: c.1152C>T on transcript NM_001363118.2 (MANE Select); coding-DNA position 1152, C replaced by T.
Protein change: p.Gly384=; no amino-acid change (glycine 384 retained).
Molecular consequence: synonymous variant. On other transcripts: non-coding transcript variant (1).
Genome position (GRCh38, 1-based): chr8:144,360,829, C>T. VCF-style: chr8-144360829-C-T. GRCh37 (hg19) VCF-style: chr8-145584489-C-T.
Other names: c.1152C>T, p.Gly384= (NM_001253815.2, NM_001253816.2, NM_001363120.2 and 2 more transcripts); c.660C>T, p.Gly220= (NM_001363122.2).
Identifiers: ClinVar variation 517566 (VCV000517566.14), dbSNP rs782168938, ClinGen allele CA4938418.

ClinVar aggregate classification (germline): Likely benign. Review status: criteria provided, multiple submitters, no conflicts (2 of 4 stars). 3 submissions from 3 submitters: Likely benign (3). Last evaluated 2024-10-04.

Conditions:
Inborn genetic diseases. Identifiers: MedGen C0950123, MeSH D030342.
Brown-Vialetto-van Laere syndrome 2. Also called: Riboflavin transporter deficiency type 2; SPINOCEREBELLAR ATAXIA WITH BLINDNESS AND DEAFNESS 2. Identifiers: Orphanet 572543, Orphanet 97229, MedGen C3553538, MONDO:0013867, OMIM 614707.

Allele frequency attached by ClinVar (database versions not stated): TOPMed below 0.00001; gnomAD 0.00002 and 0.00001.
gnomAD v4.1: 17 of 1,613,122 alleles (0.0011%); highest among the groups gnomAD compares: Middle Eastern, 0.016%; no homozygotes.

Submissions (3):

Labcorp Genetics (formerly Invitae), Labcorp
Classification: Likely benign for Brown-Vialetto-van Laere syndrome 2. Last evaluated: 2024-10-04. Review status: criteria provided, single submitter. Criteria: Invitae Variant Classification Sherloc (09022015). Collection method: clinical testing. Allele origin: germline.

Ambry Genetics
Classification: Likely benign for Inborn genetic diseases. Last evaluated: 2019-07-11. Review status: criteria provided, single submitter. Criteria: Ambry Variant Classification Scheme 2023. Collection method: clinical testing. Allele origin: germline.

Laboratory for Molecular Medicine, Mass General Brigham Personalized Medicine
Classification: Likely benign. Last evaluated: 2017-08-23. Review status: criteria provided, single submitter. Criteria: LMM Criteria. Collection method: clinical testing. Allele origin: germline. Observed: 1 variant allele.
Comment: p.Gly384Gly in exon 5 of SLC52A2: This variant is not expected to have clinical significance because it does not alter an amino acid residue and is not located within the splice consensus sequence. It has been identified in 2/65812 European chromosomes by the Exome Aggregation Consortium (ExAC; dbSNP rs782168938).